The following is an entry in ClinVar:

ClinVar aggregate classification (germline): Conflicting classifications of pathogenicity. Review status: criteria provided, conflicting classifications (1 of 4 stars). 3 submissions from 3 submitters: Pathogenic (1); Likely pathogenic (1); Uncertain significance (1). Last evaluated 2025-07-21.

Conditions:
Mucopolysaccharidosis, MPS-III-B (MPS3B). Also called: N-ACETYL-ALPHA-D-GLUCOSAMINIDASE DEFICIENCY; NAGLU DEFICIENCY; SANFILIPPO SYNDROME B; Mucopolysaccharidosis type IIIB (Sanfilippo B); MPS IIIB (Sanfilippo Syndrome Type B); MUCOPOLYSACCHARIDOSIS, TYPE IIIB. Identifiers: Orphanet 79270, MedGen C0086648, MONDO:0009656, OMIM 252920.
Charcot-Marie-Tooth disease axonal type 2V. Also called: CHARCOT-MARIE-TOOTH NEUROPATHY, TYPE 2V; CHARCOT-MARIE-TOOTH DISEASE, AXONAL, AUTOSOMAL DOMINANT, TYPE 2V. Identifiers: Orphanet 447964, MedGen C5569050, MONDO:0014665, OMIM 616491.

Allele frequency attached by ClinVar (database versions not stated): gnomAD exomes below 0.00001.
gnomAD v4.1: 1 of 1,614,060 alleles (0.000062%); highest among the groups gnomAD compares: Non-Finnish European, 0.000085%; no homozygotes.

Submissions (3):

Labcorp Genetics (formerly Invitae), Labcorp
Classification: Likely pathogenic for Charcot-Marie-Tooth disease axonal type 2V; Mucopolysaccharidosis, MPS-III-B. Last evaluated: 2025-07-21. Review status: criteria provided, single submitter. Criteria: Invitae Variant Classification Sherloc (09022015). Collection method: clinical testing. Allele origin: germline.
Comment: This sequence change replaces glycine, which is neutral and non-polar, with valine, which is neutral and non-polar, at codon 304 of the NAGLU protein (p.Gly304Val). This variant is not present in population databases (gnomAD no frequency). This missense change has been observed in individual(s) with mucopolysaccharidosis type III (PMID: 18218046). ClinVar contains an entry for this variant (Variation ID: 803392). Invitae Evidence Modeling of protein sequence and biophysical properties (such as structural, functional, and spatial information, amino acid conservation, physicochemical variation, residue mobility, and thermodynamic stability) indicates that this missense variant is expected to disrupt NAGLU protein function with a positive predictive value of 95%. In summary, the currently available evidence indicates that the variant is pathogenic, but additional data are needed to prove that conclusively. Therefore, this variant has been classified as Likely Pathogenic.

Women's Health and Genetics/Laboratory Corporation of America, LabCorp
Classification: Uncertain significance. Last evaluated: 2025-04-08. Review status: criteria provided, single submitter. Criteria: LabCorp Variant Classification Summary - May 2015. Collection method: clinical testing. Allele origin: germline.
Comment: Variant summary: NAGLU c.911G>T (p.Gly304Val) results in a non-conservative amino acid change in the encoded protein sequence. Five of five in-silico tools predict a damaging effect of the variant on protein function. The variant was absent in 251466 control chromosomes. The available data on variant occurrences in the general population are insufficient to allow any conclusion about variant significance. c.911G>T has been reported in the literature in individuals affected with Mucopolysaccharidosis Type IIIB (Sanfilippo Syndrome B) (Mangas_2008). These data do not allow any conclusion about variant significance. To our knowledge, no experimental evidence demonstrating an impact on protein function has been reported. The following publication have been ascertained in the context of this evaluation (PMID: 18218046). ClinVar contains an entry for this variant (Variation ID: 803392). Based on the evidence outlined above, the variant was classified as uncertain significance.

Mendelics
Classification: Pathogenic for Mucopolysaccharidosis, MPS-III-B. Last evaluated: 2019-05-28. Review status: criteria provided, single submitter. Criteria: Mendelics Assertion Criteria 2017. Collection method: clinical testing. Allele origin: unknown.

Literature cited by the submitters: PubMed 18218046 (cited by Labcorp Genetics (formerly Invitae), Labcorp and Women's Health and Genetics/Laboratory Corporation of America, LabCorp).

NM_000263.4(NAGLU):c.911G>T (p.Gly304Val)

Gene: NAGLU (N-acetyl-alpha-glucosaminidase; plus strand). Cytogenetic location: 17q21.2.
Variant type: single nucleotide variant.
Coding change: c.911G>T on transcript NM_000263.4 (MANE Select); coding-DNA position 911, G replaced by T.
Protein change: p.Gly304Val; replaces glycine 304 with valine.
Molecular consequence: missense variant.
Genome position (GRCh38, 1-based): chr17:42,541,096, G>T. VCF-style: chr17-42541096-G-T. GRCh37 (hg19) VCF-style: chr17-40693114-G-T.
Other names: short protein forms G304V.
Identifiers: ClinVar variation 803392 (VCV000803392.7), dbSNP rs1599258487, ClinGen allele CA399600193.